The following is an entry in ClinVar:

NM_001148.6(ANK2):c.3125+124C>A

Gene: ANK2 (ankyrin 2; plus strand). Cytogenetic location: 4q26.
Variant type: single nucleotide variant.
Coding change: c.3125+124C>A on transcript NM_001148.6 (MANE Select); 124 bases into the intron after coding-DNA position 3125, C replaced by A.
Molecular consequence: intron variant.
Genome position (GRCh38, 1-based): chr4:113,330,594, C>A. VCF-style: chr4-113330594-C-A. GRCh37 (hg19) VCF-style: chr4-114251750-C-A.
Other names: c.3110+124C>A (NM_001386186.2, NM_001386148.2); c.2912+124C>A (NM_001354269.3); c.3089+124C>A (NM_001386187.2); c.3083+124C>A (NM_001386147.1, NM_001354261.2); c.3068+124C>A (NM_001386160.1); c.3074+124C>A (NM_001354254.2); c.3095+124C>A (NM_001354239.2, NM_001354252.2, NM_001354272.2); c.3059+124C>A (NM_001354244.2, NM_001354256.2, NM_001386161.1); and 23 more.
Identifiers: ClinVar variation 672183 (VCV000672183.1), dbSNP rs9307389, ClinGen allele CA11854003.

ClinVar aggregate classification (germline): Benign (1 of 4 stars; one submission).

Allele frequency attached by ClinVar (database versions not stated): gnomAD exomes 0.10900; gnomAD 0.22295 and 0.23073; TOPMed 0.24243; 1000 Genomes Project 0.25260; 1000 Genomes Project 30x 0.26671.
gnomAD v4.1: 124,928 of 980,988 alleles (13%); highest among the groups gnomAD compares: African/African-American, 54%; 14,032 homozygotes.

Submission:

GeneDx
Classification: Benign. Last evaluated: 2018-06-19. Review status: criteria provided, single submitter. Criteria: GeneDx Variant Classification (06012015). Collection method: clinical testing. Allele origin: germline. Affected: yes.
Comment: This variant is considered likely benign or benign based on one or more of the following criteria: it is a conservative change, it occurs at a poorly conserved position in the protein, it is predicted to be benign by multiple in silico algorithms, and/or has population frequency not consistent with disease.